The following is an entry in ClinVar:

NM_007294.4(BRCA1):c.4453A>G (p.Thr1485Ala)

Gene: BRCA1 (BRCA1 DNA repair associated; minus strand). Cytogenetic location: 17q21.31.
Variant type: single nucleotide variant.
Coding change: c.4453A>G on transcript NM_007294.4 (MANE Select); coding-DNA position 4453, A replaced by G.
Protein change: p.Thr1485Ala; replaces threonine 1485 with alanine.
Molecular consequence: missense variant. On other transcripts: non-coding transcript variant (1).
Genome position (GRCh38, 1-based): chr17:43,076,519, T>C on the plus strand (A>G on the coding strand, the complement: BRCA1 is on the minus strand). VCF-style: chr17-43076519-T-C. GRCh37 (hg19) VCF-style: chr17-41228536-T-C.
Other names: c.1138A>G, p.Thr380Ala (NM_001408473.1, NM_001408402.1, NM_001408403.1 and 8 more transcripts); c.943A>G, p.Thr315Ala (NM_001408474.1); c.940A>G, p.Thr314Ala (NM_001408475.1, NM_001408476.1); c.934A>G, p.Thr312Ala (NM_001408478.1, NM_001408479.1, NM_001408480.1); c.931A>G, p.Thr311Ala (NM_001408481.1, NM_001408482.1, NM_001408483.1 and 5 more transcripts); c.928A>G, p.Thr310Ala (NM_001408492.1, NM_001408493.1); c.904A>G, p.Thr302Ala (NM_001408494.1); c.898A>G, p.Thr300Ala (NM_001408495.1); and 68 more; short protein forms T1372A, T1458A, T1481A, T1482A, T1484A, T1485A, T1507A, T269A.
Identifiers: ClinVar variation 1740719 (VCV001740719.6), dbSNP rs2154061604, ClinGen allele CA10592628.

ClinVar aggregate classification (germline): Uncertain significance. Review status: criteria provided, multiple submitters, no conflicts (2 of 4 stars). 2 submissions from 2 submitters: Uncertain significance (2). Last evaluated 2025-12-21.

Conditions:
Hereditary cancer-predisposing syndrome. Also called: Tumor predisposition; Hereditary Cancer Syndrome; Hereditary neoplastic syndrome; Neoplastic Syndromes, Hereditary. Identifiers: Orphanet 140162, MedGen C0027672, MeSH D009386, MONDO:0015356.
Hereditary breast ovarian cancer syndrome. Also called: Hereditary breast and ovarian cancer; Breast and ovarian cancer; Hereditary breast and ovarian cancer syndrome (HBOC); Hereditary breast and/or ovarian cancer syndrome; BRCA1- and BRCA2-Associated Hereditary Breast and Ovarian Cancer; Hereditary breast and ovarian cancer syndrome. Identifiers: Orphanet 145, MedGen C0677776, MeSH D061325, MONDO:0003582. Disease mechanism: loss of function.

Submissions (2):

Ambry Genetics
Classification: Uncertain significance for Hereditary cancer-predisposing syndrome. Last evaluated: 2025-12-21. Review status: criteria provided, single submitter. Criteria: Ambry Variant Classification Scheme 2023. Collection method: clinical testing. Allele origin: germline.
Comment: The p.T1485A variant (also known as c.4453A>G), located in coding exon 12 of the BRCA1 gene, results from an A to G substitution at nucleotide position 4453. The threonine at codon 1485 is replaced by alanine, an amino acid with similar properties. This amino acid position is conserved. In addition, the in silico prediction for this alteration is inconclusive. Since supporting evidence is limited at this time, the clinical significance of this alteration remains unclear.

Labcorp Genetics (formerly Invitae), Labcorp
Classification: Uncertain significance for Hereditary breast ovarian cancer syndrome. Last evaluated: 2024-01-30. Review status: criteria provided, single submitter. Criteria: Invitae Variant Classification Sherloc (09022015). Collection method: clinical testing. Allele origin: germline.
Comment: This sequence change replaces threonine, which is neutral and polar, with alanine, which is neutral and non-polar, at codon 1485 of the BRCA1 protein (p.Thr1485Ala). This variant is not present in population databases (gnomAD no frequency). This variant has not been reported in the literature in individuals affected with BRCA1-related conditions. ClinVar contains an entry for this variant (Variation ID: 1740719). Advanced modeling of protein sequence and biophysical properties (such as structural, functional, and spatial information, amino acid conservation, physicochemical variation, residue mobility, and thermodynamic stability) performed at Invitae indicates that this missense variant is not expected to disrupt BRCA1 protein function with a negative predictive value of 95%. In summary, the available evidence is currently insufficient to determine the role of this variant in disease. Therefore, it has been classified as a Variant of Uncertain Significance.